The following is an entry in ClinVar:

ClinVar aggregate classification (germline): Conflicting classifications of pathogenicity. Review status: criteria provided, conflicting classifications (1 of 4 stars). 2 submissions from 2 submitters: Uncertain significance (1); Likely benign (1). Last evaluated 2025-02-18.

Conditions:
Inborn genetic diseases. Identifiers: MedGen C0950123, MeSH D030342.

Allele frequency attached by ClinVar (database versions not stated): gnomAD 0.00001; gnomAD exomes 0.00002; TOPMed 0.00002; ExAC 0.00004.
gnomAD v4.1: 37 of 1,611,398 alleles (0.0023%); highest among the groups gnomAD compares: Admixed American, 0.0033%; no homozygotes.

Submissions (2):

Ambry Genetics
Classification: Likely benign for Inborn genetic diseases. Last evaluated: 2025-02-18. Review status: criteria provided, single submitter. Criteria: Ambry Variant Classification Scheme 2023. Collection method: clinical testing. Allele origin: germline.

Labcorp Genetics (formerly Invitae), Labcorp
Classification: Uncertain significance. Last evaluated: 2023-05-13. Review status: criteria provided, single submitter. Criteria: Invitae Variant Classification Sherloc (09022015). Collection method: clinical testing. Allele origin: germline.
Comment: This variant is present in population databases (rs764341143, gnomAD 0.01%). This sequence change replaces serine, which is neutral and polar, with proline, which is neutral and non-polar, at codon 1553 of the KMT2E protein (p.Ser1553Pro). In summary, the available evidence is currently insufficient to determine the role of this variant in disease. Therefore, it has been classified as a Variant of Uncertain Significance. An algorithm developed to predict the effect of missense changes on protein structure and function (PolyPhen-2) suggests that this variant is likely to be tolerated. This variant has not been reported in the literature in individuals affected with KMT2E-related conditions.

NM_182931.3(KMT2E):c.4657T>C (p.Ser1553Pro)

Gene: KMT2E (lysine methyltransferase 2E (inactive); plus strand). Cytogenetic location: 7q22.3.
Variant type: single nucleotide variant.
Coding change: c.4657T>C on transcript NM_182931.3 (MANE Select); coding-DNA position 4657, T replaced by C.
Protein change: p.Ser1553Pro; replaces serine 1553 with proline.
Molecular consequence: missense variant.
Genome position (GRCh38, 1-based): chr7:105,112,413, T>C. VCF-style: chr7-105112413-T-C. GRCh37 (hg19) VCF-style: chr7-104752860-T-C.
Other names: c.4657T>C (NM_182931.2); c.4531T>C, p.Ser1511Pro (NM_001410908.1); c.4657T>C, p.Ser1553Pro (NM_018682.4); short protein forms S1511P, S1553P.
Identifiers: ClinVar variation 2867666 (VCV002867666.4), dbSNP rs764341143, ClinGen allele CA4424804.